The following is an entry in ClinVar:

ClinVar aggregate classification (germline): Uncertain significance (1 of 4 stars; one submission).

Conditions:
TWNK-related disorder. Also called: TWNK-related condition.

Submission:

PreventionGenetics, part of Exact Sciences
Classification: Uncertain significance for TWNK-related condition. Last evaluated: 2025-08-06. Review status: criteria provided, single submitter. Criteria: ACMG Guidelines, 2015. Collection method: clinical testing. Allele origin: germline.
Comment: The TWNK c.1000C>G variant is predicted to result in the amino acid substitution p.Arg334Gly. To our knowledge, this variant has not been reported in the literature or in a large population database (gnomAD), indicating this variant is rare. Alternate amino acid changes at this position (p.Arg334Gln and p.Arg334Pro) have been reported in the heterozygous state in individuals with progressive external ophthalmoplegia (Agostino et al. 2003. PubMed ID: 12707443; Virgilio et al. 2008. PubMed ID: 18575922). Although we suspect that the p.Arg334Gly variant may be pathogenic, at this time, the clinical significance of this variant is uncertain due to the absence of conclusive functional and genetic evidence.

NM_021830.5(TWNK):c.1000C>G (p.Arg334Gly)

Gene: TWNK (twinkle mtDNA helicase; plus strand). Cytogenetic location: 10q24.31.
Variant type: single nucleotide variant.
Coding change: c.1000C>G on transcript NM_021830.5 (MANE Select); coding-DNA position 1000, C replaced by G.
Protein change: p.Arg334Gly; replaces arginine 334 with glycine.
Molecular consequence: missense variant. On other transcripts: non-coding transcript variant (4), intron variant (3).
Genome position (GRCh38, 1-based): chr10:100,989,210, C>G. VCF-style: chr10-100989210-C-G. GRCh37 (hg19) VCF-style: chr10-102748967-C-G.
Other names: c.1000C>G, p.Arg334Gly (NM_001163812.2); c.-119-434C>G (NM_001163814.2, NM_001163813.2); c.-57-496C>G (NM_001368275.1); short protein forms R334G.
Identifiers: ClinVar variation 4977248 (VCV004977248.1).